The following is an entry in ClinVar:

ClinVar aggregate classification (germline): Uncertain significance (1 of 4 stars; one submission).

gnomAD v4.1: 12 of 1,613,974 alleles (0.00074%); highest among the groups gnomAD compares: South Asian, 0.0011%; no homozygotes.

Submission:

Labcorp Genetics (formerly Invitae), Labcorp
Classification: Uncertain significance. Last evaluated: 2023-08-07. Review status: criteria provided, single submitter. Criteria: Invitae Variant Classification Sherloc (09022015). Collection method: clinical testing. Allele origin: germline.
Comment: This sequence change replaces arginine, which is basic and polar, with leucine, which is neutral and non-polar, at codon 798 of the CLCN6 protein (p.Arg798Leu). This variant is present in population databases (rs769924243, gnomAD 0.005%). This variant has not been reported in the literature in individuals affected with CLCN6-related conditions. ClinVar contains an entry for this variant (Variation ID: 2192853). An algorithm developed to predict the effect of missense changes on protein structure and function (PolyPhen-2) suggests that this variant is likely to be disruptive. In summary, the available evidence is currently insufficient to determine the role of this variant in disease. Therefore, it has been classified as a Variant of Uncertain Significance.

NM_001286.5(CLCN6):c.2393G>T (p.Arg798Leu)

Gene: CLCN6 (chloride voltage-gated channel 6; plus strand). Cytogenetic location: 1p36.22.
Variant type: single nucleotide variant.
Coding change: c.2393G>T on transcript NM_001286.5 (MANE Select); coding-DNA position 2393, G replaced by T.
Protein change: p.Arg798Leu; replaces arginine 798 with leucine.
Molecular consequence: missense variant. On other transcripts: non-coding transcript variant (1).
Genome position (GRCh38, 1-based): chr1:11,838,432, G>T. VCF-style: chr1-11838432-G-T. GRCh37 (hg19) VCF-style: chr1-11898489-G-T.
Other names: c.2327G>T, p.Arg776Leu (NM_001256959.2); short protein forms R798L, R776L.
Identifiers: ClinVar variation 2192853 (VCV002192853.4), dbSNP rs769924243, ClinGen allele CA596820.